The following is an entry in ClinVar:

NM_001849.4(COL6A2):c.2857G>A (p.Gly953Ser)

Gene: COL6A2 (collagen type VI alpha 2 chain; plus strand). Cytogenetic location: 21q22.3.
Variant type: single nucleotide variant.
Coding change: c.2857G>A on transcript NM_001849.4 (MANE Select); coding-DNA position 2857, G replaced by A.
Protein change: p.Gly953Ser; replaces glycine 953 with serine.
Molecular consequence: missense variant.
Genome position (GRCh38, 1-based): chr21:46,132,349, G>A. VCF-style: chr21-46132349-G-A. GRCh37 (hg19) VCF-style: chr21-47552263-G-A.
Other names: short protein forms G953S.
Identifiers: ClinVar variation 2581570 (VCV002581570.1), dbSNP rs774150439, ClinGen allele CA10073061.

ClinVar aggregate classification (germline): Uncertain significance (1 of 4 stars; one submission).

Allele frequency attached by ClinVar (database versions not stated): gnomAD exomes below 0.00001; ExAC 0.00001.
gnomAD v4.1: 1 of 1,608,542 alleles (0.000062%); highest among the groups gnomAD compares: South Asian, 0.0011%; no homozygotes.

Submission:

Women's Health and Genetics/Laboratory Corporation of America, LabCorp
Classification: Uncertain significance. Last evaluated: 2023-08-08. Review status: criteria provided, single submitter. Criteria: LabCorp Variant Classification Summary - May 2015. Collection method: clinical testing. Allele origin: germline.
Comment: Variant summary: COL6A2 c.2857G>A (p.Gly953Ser) results in a non-conservative amino acid change located in the von Willebrand factor, type A domain (IPR002035) of the encoded protein sequence. Three of five in-silico tools predict a benign effect of the variant on protein function. The variant allele was found at a frequency of 4.1e-06 in 244118 control chromosomes (gnomAD). The available data on variant occurrences in the general population are insufficient to allow any conclusion about variant significance. To our knowledge, no occurrence of c.2857G>A in individuals affected with Collagen Type VI-Related Disorders and no experimental evidence demonstrating its impact on protein function have been reported. No submitters have cited clinical-significance assessments for this variant to ClinVar after 2014. Based on the evidence outlined above, the variant was classified as uncertain significance.